The following is an entry in ClinVar:

ClinVar aggregate classification (germline): Uncertain significance (1 of 4 stars; one submission).

Submission:

GeneDx
Classification: Uncertain significance. Last evaluated: 2021-05-11. Review status: criteria provided, single submitter. Criteria: GeneDx Variant Classification Process June 2021. Collection method: clinical testing. Allele origin: germline. Affected: yes.
Comment: Not observed in large population cohorts (Lek et al., 2016)

NM_004793.4(LONP1):c.1744A>C (p.Thr582Pro)

Gene: LONP1 (lon peptidase 1, mitochondrial; minus strand). Cytogenetic location: 19p13.3.
Variant type: single nucleotide variant.
Coding change: c.1744A>C on transcript NM_004793.4 (MANE Select); coding-DNA position 1744, A replaced by C.
Protein change: p.Thr582Pro; replaces threonine 582 with proline.
Molecular consequence: missense variant. On other transcripts: non-coding transcript variant (1).
Genome position (GRCh38, 1-based): chr19:5,696,699, T>G on the plus strand (A>C on the coding strand, the complement: LONP1 is on the minus strand). VCF-style: chr19-5696699-T-G. GRCh37 (hg19) VCF-style: chr19-5696710-T-G.
Other names: c.1552A>C, p.Thr518Pro (NM_001276479.2); c.1156A>C, p.Thr386Pro (NM_001276480.1); short protein forms T386P, T518P, T582P.
Identifiers: ClinVar variation 1321759 (VCV001321759.2), dbSNP rs747561131, ClinGen allele CA403529639.